The following is an entry in ClinVar:

NM_001001671.4(MAP3K15):c.3905G>A (p.Arg1302Lys)

Genes: MAP3K15 (mitogen-activated protein kinase kinase kinase 15; minus strand), PDHA1 (pyruvate dehydrogenase E1 subunit alpha 1; plus strand). Cytogenetic location: Xp22.12.
Variant type: single nucleotide variant.
Coding change: c.3905G>A on transcript NM_001001671.4 (MANE Select); coding-DNA position 3905, G replaced by A.
Protein change: p.Arg1302Lys; replaces arginine 1302 with lysine.
Molecular consequence: missense variant. On other transcripts: 3 prime UTR variant (4).
Genome position (GRCh38, 1-based): chrX:19,360,786, C>T on the plus strand (G>A on the coding strand, the complement: MAP3K15 is on the minus strand). VCF-style: chrX-19360786-C-T. GRCh37 (hg19) VCF-style: chrX-19378904-C-T.
Other names: c.*1133C>T (NM_000284.4, NM_001173454.2, NM_001173455.2 and 1 more transcripts); short protein forms R1302K.
Identifiers: ClinVar variation 4103266 (VCV004103266.5).

ClinVar aggregate classification (germline): Conflicting classifications of pathogenicity. Review status: criteria provided, conflicting classifications (1 of 4 stars). 2 submissions from 2 submitters: Uncertain significance (1); Likely benign (1). Last evaluated 2026-01-01.

gnomAD v4.1: 34 of 1,208,382 alleles (0.0028%); highest among the groups gnomAD compares: African/African-American, 0.0035%; no homozygotes.

Submissions (2):

CeGaT Center for Human Genetics Tuebingen
Classification: Likely benign. Last evaluated: 2026-01-01. Review status: criteria provided, single submitter. Criteria: CeGaT Center For Human Genetics Tuebingen Variant Classification Criteria Version 2. Collection method: clinical testing. Allele origin: germline. Affected: yes. Observed: 1 variant allele.
Comment: MAP3K15: BP4, BS2

Ambry Genetics
Classification: Uncertain significance. Last evaluated: 2025-08-10. Review status: criteria provided, single submitter. Criteria: Ambry Variant Classification Scheme 2023. Collection method: clinical testing. Allele origin: germline.